The following is an entry in ClinVar:

ClinVar aggregate classification (germline): Likely benign. Review status: criteria provided, multiple submitters, no conflicts (2 of 4 stars). 2 submissions from 2 submitters: Likely benign (2). Last evaluated 2026-02-04.

Conditions:
AARS2-related disorder. Also called: AARS2-related disorders; AARS2-related condition. Identifiers: MedGen CN381518, MONDO:1060240.

Allele frequency attached by ClinVar (database versions not stated): gnomAD 0.00021; TOPMed 0.00034; ExAC 0.00003; gnomAD exomes 0.00005; ESP Exome Variant Server 0.00015.

Submissions (2):

PreventionGenetics, part of Exact Sciences
Classification: Likely benign for AARS2-related condition. Last evaluated: 2026-02-04. Review status: criteria provided, single submitter. Criteria: ACMG Guidelines, 2015. Collection method: clinical testing. Allele origin: germline.
Comment: This variant is classified as likely benign based on ACMG/AMP sequence variant interpretation guidelines (Richards et al. 2015 PMID: 25741868, with internal and published modifications).

Labcorp Genetics (formerly Invitae), Labcorp
Classification: Likely benign. Last evaluated: 2026-01-05. Review status: criteria provided, single submitter. Criteria: Invitae Variant Classification Sherloc (09022015). Collection method: clinical testing. Allele origin: germline.

NM_020745.4(AARS2):c.2682+10A>T

Gene: AARS2 (alanyl-tRNA synthetase 2, mitochondrial; minus strand). Cytogenetic location: 6p21.1.
Variant type: single nucleotide variant.
Coding change: c.2682+10A>T on transcript NM_020745.4 (MANE Select); 10 bases into the intron after coding-DNA position 2682, A replaced by T.
Molecular consequence: intron variant.
Genome position (GRCh38, 1-based): chr6:44,301,371, T>A on the plus strand (A>T on the coding strand, the complement: AARS2 is on the minus strand). VCF-style: chr6-44301371-T-A. GRCh37 (hg19) VCF-style: chr6-44269108-T-A.
Other names: c.2682+10A>T (NM_020745.3).
Identifiers: ClinVar variation 2179715 (VCV002179715.5), dbSNP rs374271817, ClinGen allele CA3833890.